The following is an entry in ClinVar:

NM_006206.6(PDGFRA):c.727G>A (p.Val243Ile)

Gene: PDGFRA (platelet derived growth factor receptor alpha; plus strand). Cytogenetic location: 4q12.
Variant type: single nucleotide variant.
Coding change: c.727G>A on transcript NM_006206.6 (MANE Select); coding-DNA position 727, G replaced by A.
Protein change: p.Val243Ile; replaces valine 243 with isoleucine.
Molecular consequence: missense variant.
Genome position (GRCh38, 1-based): chr4:54,265,017, G>A. VCF-style: chr4-54265017-G-A. GRCh37 (hg19) VCF-style: chr4-55131184-G-A.
Other names: c.727G>A, p.Val243Ile (NM_001347827.2, NM_001347829.2); c.802G>A, p.Val268Ile (NM_001347828.2); c.766G>A, p.Val256Ile (NM_001347830.2); short protein forms V243I, V256I, V268I.
Identifiers: ClinVar variation 240359 (VCV000240359.11), dbSNP rs774246071, ClinGen allele CA2922362.

ClinVar aggregate classification (germline): Conflicting classifications of pathogenicity. Review status: criteria provided, conflicting classifications (1 of 4 stars). 3 submissions from 3 submitters: Uncertain significance (2); Likely benign (1). Last evaluated 2026-06-12.

Conditions:
Polyps, multiple and recurrent inflammatory fibroid, gastrointestinal. Identifiers: MedGen C5193005, MONDO:0008285, OMIM 175510.
Hereditary cancer-predisposing syndrome. Also called: Neoplastic Syndromes, Hereditary; Hereditary neoplastic syndrome; Hereditary Cancer Syndrome; Tumor predisposition. Identifiers: Orphanet 140162, MedGen C0027672, MeSH D009386, MONDO:0015356.
Gastrointestinal stromal tumor. Also called: Gastrointestinal stromal tumor, somatic; Gastrointestinal stroma tumor. Identifiers: Orphanet 44890, MedGen C0238198, MeSH D046152, MONDO:0011719, OMIM 606764, HP:0100723.

Allele frequency attached by ClinVar (database versions not stated): ExAC 0.00001; gnomAD exomes 0.00001.
gnomAD v4.1: 4 of 1,613,772 alleles (0.00025%); highest among the groups gnomAD compares: Admixed American, 0.0017%; no homozygotes.

Submissions (3):

Myriad Genetics, Inc.
Classification: Likely benign for Polyps, multiple and recurrent inflammatory fibroid, gastrointestinal. Last evaluated: 2026-06-12. Review status: criteria provided, single submitter. Criteria: Myriad Autosomal Dominant, Autosomal Recessive and X-Linked Classification Criteria (2023). Collection method: clinical testing. Allele origin: unknown.
Comment: This variant is considered likely benign. This variant has been observed at a population frequency that is significantly greater than expected given the associated disease prevalence and penetrance.

Ambry Genetics
Classification: Uncertain significance for Hereditary cancer-predisposing syndrome. Last evaluated: 2024-05-16. Review status: criteria provided, single submitter. Criteria: Ambry Variant Classification Scheme 2023. Collection method: clinical testing. Allele origin: germline.
Comment: The p.V243I variant (also known as c.727G>A), located in coding exon 4 of the PDGFRA gene, results from a G to A substitution at nucleotide position 727. The valine at codon 243 is replaced by isoleucine, an amino acid with highly similar properties. This amino acid position is conserved. In addition, this alteration is predicted to be tolerated by in silico analysis. Based on the available evidence, the clinical significance of this variant remains unclear.

Labcorp Genetics (formerly Invitae), Labcorp
Classification: Uncertain significance for Gastrointestinal stromal tumor. Last evaluated: 2022-12-09. Review status: criteria provided, single submitter. Criteria: Invitae Variant Classification Sherloc (09022015). Collection method: clinical testing. Allele origin: germline.
Comment: In summary, the available evidence is currently insufficient to determine the role of this variant in disease. Therefore, it has been classified as a Variant of Uncertain Significance. Advanced modeling of protein sequence and biophysical properties (such as structural, functional, and spatial information, amino acid conservation, physicochemical variation, residue mobility, and thermodynamic stability) performed at Invitae indicates that this missense variant is not expected to disrupt PDGFRA protein function. ClinVar contains an entry for this variant (Variation ID: 240359). This variant has not been reported in the literature in individuals affected with PDGFRA-related conditions. This variant is present in population databases (rs774246071, gnomAD 0.002%). This sequence change replaces valine, which is neutral and non-polar, with isoleucine, which is neutral and non-polar, at codon 243 of the PDGFRA protein (p.Val243Ile).